The following is an entry in ClinVar:

NC_000012.12:g.132473152A>G

Gene: MUC8 (mucin 8; minus strand). Cytogenetic location: 12q24.33.
Variant type: single nucleotide variant.
Genome position: GRCh38 VCF-style: chr12-132473152-A-G. GRCh37 (hg19) VCF-style: chr12-133049738-A-G.
Identifiers: ClinVar variation 2643639 (VCV002643639.24), dbSNP rs1171083726, ClinGen allele CA482705896.
Genomic context (GRCh38, chr12:132,473,152, plus strand): 5'-GGTGTCCCCTCCTGGAGAGCGCGTGGGCAGTTCGTGGACCCGGGTCCCTTCCTGGAGAGG[A>G]CGTGGGCAGCTCGTGGACCCGGGTCCCTTCCTGGAGACGACGTGGGCAGCTCGTGGACCC-3'

ClinVar aggregate classification (germline): Likely benign (1 of 4 stars; one submission).

Allele frequency attached by ClinVar (database versions not stated): gnomAD 0.00049.

Submission:

CeGaT Center for Human Genetics Tuebingen
Classification: Likely benign. Last evaluated: 2022-11-01. Review status: criteria provided, single submitter. Criteria: CeGaT Center For Human Genetics Tuebingen Variant Classification Criteria Version 2. Collection method: clinical testing. Allele origin: germline. Affected: yes. Observed: 2 variant alleles.
Comment: MUC8: BP4, BP7